The following is an entry in ClinVar:

ClinVar aggregate classification (germline): Benign/Likely benign. Review status: criteria provided, multiple submitters, no conflicts (2 of 4 stars). 4 submissions from 4 submitters: Benign (1); Likely benign (3). Last evaluated 2026-05-01.

Conditions:
Inborn genetic diseases. Identifiers: MedGen C0950123, MeSH D030342.
TRRAP-related disorder. Also called: TRRAP-related condition.

Allele frequency attached by ClinVar (database versions not stated): TOPMed 0.00002; ExAC 0.00003.
gnomAD v4.1: 76 of 1,613,852 alleles (0.0047%); highest among the groups gnomAD compares: Non-Finnish European, 0.006%; no homozygotes.

Submissions (4):

CeGaT Center for Human Genetics Tuebingen
Classification: Likely benign. Last evaluated: 2026-05-01. Review status: criteria provided, single submitter. Criteria: CeGaT Center For Human Genetics Tuebingen Variant Classification Criteria Version 2. Collection method: clinical testing. Allele origin: germline. Affected: yes. Observed: 2 variant alleles.
Comment: TRRAP: BS1

Labcorp Genetics (formerly Invitae), Labcorp
Classification: Benign. Last evaluated: 2025-09-02. Review status: criteria provided, single submitter. Criteria: Invitae Variant Classification Sherloc (09022015). Collection method: clinical testing. Allele origin: germline.

PreventionGenetics, part of Exact Sciences
Classification: Likely benign for TRRAP-related condition. Last evaluated: 2025-01-24. Review status: criteria provided, single submitter. Criteria: ACMG Guidelines, 2015. Collection method: clinical testing. Allele origin: germline.
Comment: This variant is classified as likely benign based on ACMG/AMP sequence variant interpretation guidelines (Richards et al. 2015 PMID: 25741868, with internal and published modifications).

Ambry Genetics
Classification: Likely benign for Inborn genetic diseases. Last evaluated: 2023-05-25. Review status: criteria provided, single submitter. Criteria: Ambry Variant Classification Scheme 2023. Collection method: clinical testing. Allele origin: germline.

NM_001375524.1(TRRAP):c.8629G>A (p.Val2877Met)

Gene: TRRAP (transformation/transcription domain associated protein; plus strand). Cytogenetic location: 7q22.1.
Variant type: single nucleotide variant.
Coding change: c.8629G>A on transcript NM_001375524.1 (MANE Select); coding-DNA position 8629, G replaced by A.
Protein change: p.Val2877Met; replaces valine 2877 with methionine.
Molecular consequence: missense variant.
Genome position (GRCh38, 1-based): chr7:98,978,899, G>A. VCF-style: chr7-98978899-G-A. GRCh37 (hg19) VCF-style: chr7-98576522-G-A.
Other names: c.8608G>A, p.Val2870Met (NM_001244580.2); c.8554G>A, p.Val2852Met (NM_003496.4); c.8554G>A (NM_003496.3); short protein forms V2852M, V2877M, V2870M.
Identifiers: ClinVar variation 2518942 (VCV002518942.16), dbSNP rs765507339, ClinGen allele CA4361488.